The following is an entry in ClinVar:

ClinVar aggregate classification (germline): Likely pathogenic (1 of 4 stars; one submission).

Conditions:
Cohen syndrome (COH1). Also called: PEPPER SYNDROME; Cutis verticis gyrata, retinitis pigmentosa, and sensorineural deafness. Identifiers: Orphanet 193, MedGen C0265223, MONDO:0008999, OMIM 216550.

Submission:

Myriad Genetics, Inc.
Classification: Likely pathogenic for Cohen syndrome. Last evaluated: 2022-03-15. Review status: criteria provided, single submitter. Criteria: Myriad Women's Health Autosomal Recessive and X-Linked Classification Criteria (2021). Collection method: clinical testing. Allele origin: unknown.
Comment: NM_017890.4(VPS13B):c.3309G>A(W1103*) is expected to be pathogenic in the context of Cohen syndrome. This variant is predicted to lead to an abnormal or absent protein product due to the creation of a premature termination codon in VPS13B, a gene where loss-of-function variants are known to be pathogenic. Please note: this variant was assessed in the context of healthy population screening.

NM_152564.5(VPS13B):c.3309G>A (p.Trp1103Ter)

Gene: VPS13B (vacuolar protein sorting 13 homolog B; plus strand). Cytogenetic location: 8q22.2.
Variant type: single nucleotide variant.
Coding change: c.3309G>A on transcript NM_152564.5 (MANE Select); coding-DNA position 3309, G replaced by A.
Protein change: p.Trp1103Ter; replaces tryptophan 1103 with a stop codon.
Molecular consequence: nonsense.
Genome position (GRCh38, 1-based): chr8:99,442,499, G>A. VCF-style: chr8-99442499-G-A. GRCh37 (hg19) VCF-style: chr8-100454727-G-A.
Other names: c.3309G>A, p.Trp1103Ter (NM_017890.5); short protein forms W1103*.
Identifiers: ClinVar variation 1725317 (VCV001725317.2), dbSNP rs2490162302, ClinGen allele CA371870652.
Genomic context (GRCh38, chr8:99,442,499, plus strand): 5'-TAGCCTGCCTTCCCCAAGTACAATTGTATCTGGTGACATTCCTGGAACAGTAAGAAGTTG[G>A]TACCATGGACAAACCAGCATGCCGGGAACACTTGTCCTCTGTTTGCCTCAAATAAAGATT-3'